The following is an entry in ClinVar:

ClinVar aggregate classification (germline): Likely benign (1 of 4 stars; one submission).

Allele frequency attached by ClinVar (database versions not stated): gnomAD exomes below 0.00001.
gnomAD v4.1: 1 of 1,596,238 alleles (0.000063%); highest among the groups gnomAD compares: Middle Eastern, 0.017%; no homozygotes.

Submission:

GeneDx
Classification: Likely benign. Last evaluated: 2015-09-18. Review status: criteria provided, single submitter. Criteria: GeneDx Variant Classification (06012015). Collection method: clinical testing. Allele origin: germline. Affected: yes.
Comment: This variant is considered likely benign or benign based on one or more of the following criteria: it is a conservative change, it occurs at a poorly conserved position in the protein, it is predicted to be benign by multiple in silico algorithms, and/or has population frequency not consistent with disease.

NM_015443.4(KANSL1):c.2235G>C (p.Arg745Ser)

Gene: KANSL1 (KAT8 regulatory NSL complex subunit 1). Cytogenetic location: 17q21.31.
Variant type: single nucleotide variant.
Coding change: c.2235G>C on transcript NM_015443.4 (MANE Select); coding-DNA position 2235, G replaced by C.
Protein change: p.Arg745Ser; replaces arginine 745 with serine.
Molecular consequence: missense variant.
Genome position (GRCh38, 1-based): chr17:46,039,184, C>G on the plus strand (G>C on the coding strand, the complement: KANSL1 is on the minus strand). VCF-style: chr17-46039184-C-G. GRCh37 (hg19) VCF-style: chr17-44116550-C-G.
Other names: c.2235G>C, p.Arg745Ser (NM_001193465.2, NM_001193466.2, NM_001379198.1); short protein forms R745S.
Identifiers: ClinVar variation 380710 (VCV000380710.1), dbSNP rs995942850, ClinGen allele CA16607696.